The following is an entry in ClinVar:

ClinVar aggregate classification (germline): Uncertain significance. Review status: criteria provided, multiple submitters, no conflicts (2 of 4 stars). 3 submissions from 3 submitters: Uncertain significance (2). 1 of the submissions does not count toward it. Last evaluated 2024-04-24.

Conditions:
Inborn genetic diseases. Identifiers: MedGen C0950123, MeSH D030342.
Abetalipoproteinaemia (ABL). Also called: MTP DEFICIENCY; Abetalipoproteinemia; Abetalipoproteinemia neuropathy; Apolipoprotein B deficiency; Congenital betalipoprotein deficiency syndrome. Identifiers: Orphanet 14, MedGen C0000744, MONDO:0008692, OMIM 200100, HP:0008181.

Allele frequency attached by ClinVar (database versions not stated): ExAC 0.00002; TOPMed 0.00002; gnomAD exomes 0.00003 and 0.00005; gnomAD 0.00005; ESP Exome Variant Server 0.00008.
gnomAD v4.1: 50 of 1,613,910 alleles (0.0031%); highest among the groups gnomAD compares: South Asian, 0.0033%; no homozygotes.

Submissions (3):

Ambry Genetics
Classification: Uncertain significance for Inborn genetic diseases. Last evaluated: 2024-04-24. Review status: criteria provided, single submitter. Criteria: Ambry Variant Classification Scheme 2023. Collection method: clinical testing. Allele origin: germline.

Labcorp Genetics (formerly Invitae), Labcorp
Classification: Uncertain significance. Last evaluated: 2021-08-30. Review status: criteria provided, single submitter. Criteria: Invitae Variant Classification Sherloc (09022015). Collection method: clinical testing. Allele origin: germline.
Comment: This sequence change replaces arginine with cysteine at codon 626 of the MTTP protein (p.Arg626Cys). The arginine residue is weakly conserved and there is a large physicochemical difference between arginine and cysteine. This variant is present in population databases (rs148696330, ExAC 0.02%). This variant has not been reported in the literature in individuals affected with MTTP-related conditions. Algorithms developed to predict the effect of missense changes on protein structure and function (SIFT, PolyPhen-2, Align-GVGD) all suggest that this variant is likely to be tolerated. In summary, the available evidence is currently insufficient to determine the role of this variant in disease. Therefore, it has been classified as a Variant of Uncertain Significance.

Natera, Inc.
Classification: Uncertain significance for Abetalipoproteinemia. Last evaluated: 2020-08-16. Review status: no assertion criteria provided. Collection method: clinical testing. Allele origin: germline. Not counted in ClinVar's aggregate classification.

NM_001386140.1(MTTP):c.1876C>T (p.Arg626Cys)

Gene: MTTP (microsomal triglyceride transfer protein; plus strand). Cytogenetic location: 4q23.
Variant type: single nucleotide variant.
Coding change: c.1876C>T on transcript NM_001386140.1 (MANE Select); coding-DNA position 1876, C replaced by T.
Protein change: p.Arg626Cys; replaces arginine 626 with cysteine.
Molecular consequence: missense variant.
Genome position (GRCh38, 1-based): chr4:99,611,340, C>T. VCF-style: chr4-99611340-C-T. GRCh37 (hg19) VCF-style: chr4-100532497-C-T.
Other names: c.1876C>T, p.Arg626Cys (NM_000253.4); c.1627C>T, p.Arg543Cys (NM_001300785.2); c.1876C>T (NM_000253.2); short protein forms R543C, R626C.
Identifiers: ClinVar variation 989815 (VCV000989815.6), dbSNP rs148696330, ClinGen allele CA3022235.